The following is an entry in ClinVar:

NM_001034853.2(RPGR):c.2407G>A (p.Gly803Arg)

Gene: RPGR (retinitis pigmentosa GTPase regulator; minus strand). Cytogenetic location: Xp11.4.
Variant type: single nucleotide variant.
Coding change: c.2407G>A on transcript NM_001034853.2 (MANE Select); coding-DNA position 2407, G replaced by A.
Protein change: p.Gly803Arg; replaces glycine 803 with arginine.
Molecular consequence: missense variant. On other transcripts: intron variant (8).
Genome position (GRCh38, 1-based): chrX:38,286,592, C>T on the plus strand (G>A on the coding strand, the complement: RPGR is on the minus strand). VCF-style: chrX-38286592-C-T. GRCh37 (hg19) VCF-style: chrX-38145845-C-T.
Other names: c.1569+4367G>A (NM_001367249.1, NM_001367250.1); c.1902+502G>A (NM_001367245.1); c.1386+4367G>A (NM_001367251.1); c.1719+502G>A (NM_001367246.1); c.1572+4367G>A (NM_001367247.1); c.1905+502G>A (NM_000328.3); c.1602+4367G>A (NM_001367248.1); short protein forms G803R.
Identifiers: ClinVar variation 2059759 (VCV002059759.4), dbSNP rs2519791300, ClinGen allele CA412730712.
Genomic context (GRCh38, chrX:38,286,592, plus strand): 5'-TCCCCTCCTCTACTTCCCCTCCCTCTACTTCCCCTCCCTCCTCTTTTTCCTCCCCTCTCC[C>T]CTCTGTTTCCTCCTCTTCCCCCTCTCCTTGGTCTCCTTCTTCCTCTCCTTTCTCCTCCTT-3'
Protein context (NP_001030025.1, residues 793-813): QGEGEEEETE[Gly803Arg]RGEEKEEGGE

ClinVar aggregate classification (germline): Uncertain significance (1 of 4 stars; one submission).

Conditions:
Primary ciliary dyskinesia. Also called: Ciliary dyskinesia. Identifiers: Orphanet 244, MedGen C0008780, MONDO:0016575, HP:0012265.

Submission:

Labcorp Genetics (formerly Invitae), Labcorp
Classification: Uncertain significance for Primary ciliary dyskinesia. Last evaluated: 2024-03-11. Review status: criteria provided, single submitter. Criteria: Invitae Variant Classification Sherloc (09022015). Collection method: clinical testing. Allele origin: germline.
Comment: This sequence change replaces glycine, which is neutral and non-polar, with arginine, which is basic and polar, at codon 803 of the RPGR (ORF15) protein (p.Gly803Arg). This variant is not present in population databases (gnomAD no frequency). This variant has not been reported in the literature in individuals affected with RPGR (ORF15)-related conditions. ClinVar contains an entry for this variant (Variation ID: 2059759). Advanced modeling of protein sequence and biophysical properties (such as structural, functional, and spatial information, amino acid conservation, physicochemical variation, residue mobility, and thermodynamic stability) performed at Invitae indicates that this missense variant is not expected to disrupt RPGR (ORF15) protein function with a negative predictive value of 95%. In summary, the available evidence is currently insufficient to determine the role of this variant in disease. Therefore, it has been classified as a Variant of Uncertain Significance.